The following is an entry in ClinVar:

NM_033026.6(PCLO):c.10910A>G (p.Glu3637Gly)

Gene: PCLO (piccolo presynaptic cytomatrix protein; minus strand). Cytogenetic location: 7q21.11.
Variant type: single nucleotide variant.
Coding change: c.10910A>G on transcript NM_033026.6 (MANE Select); coding-DNA position 10910, A replaced by G.
Protein change: p.Glu3637Gly; replaces glutamic acid 3637 with glycine.
Molecular consequence: missense variant.
Genome position (GRCh38, 1-based): chr7:82,949,678, T>C on the plus strand (A>G on the coding strand, the complement: PCLO is on the minus strand). VCF-style: chr7-82949678-T-C. GRCh37 (hg19) VCF-style: chr7-82578994-T-C.
Other names: c.10910A>G, p.Glu3637Gly (NM_014510.3); short protein forms E3637G.
Identifiers: ClinVar variation 1385097 (VCV001385097.6), dbSNP rs376716097, ClinGen allele CA4319661.

ClinVar aggregate classification (germline): Uncertain significance (1 of 4 stars; one submission).

Allele frequency attached by ClinVar (database versions not stated): ExAC 0.00002; gnomAD exomes 0.00002 and 0.00005; TOPMed 0.00002; ESP Exome Variant Server 0.00016.

Submission:

Labcorp Genetics (formerly Invitae), Labcorp
Classification: Uncertain significance. Last evaluated: 2024-02-17. Review status: criteria provided, single submitter. Criteria: Invitae Variant Classification Sherloc (09022015). Collection method: clinical testing. Allele origin: germline.
Comment: This sequence change replaces glutamic acid, which is acidic and polar, with glycine, which is neutral and non-polar, at codon 3637 of the PCLO protein (p.Glu3637Gly). This variant is present in population databases (rs376716097, gnomAD 0.03%). This variant has not been reported in the literature in individuals affected with PCLO-related conditions. ClinVar contains an entry for this variant (Variation ID: 1385097). Experimental studies and prediction algorithms are not available or were not evaluated, and the functional significance of this variant is currently unknown. In summary, the available evidence is currently insufficient to determine the role of this variant in disease. Therefore, it has been classified as a Variant of Uncertain Significance.